The following is an entry in ClinVar:

ClinVar aggregate classification (germline): Uncertain significance (1 of 4 stars; one submission).

Submission:

Women's Health and Genetics/Laboratory Corporation of America, LabCorp
Classification: Uncertain significance. Last evaluated: 2024-08-05. Review status: criteria provided, single submitter. Criteria: LabCorp Variant Classification Summary - May 2015. Collection method: clinical testing. Allele origin: germline.
Comment: Variant summary: The variant involves the duplication of exon 1 in the CYP21A2 gene. A presumed nomenclature of c.(?_-9)_(202+1_203-1)dup has been designated for the purposes of this classification. The exact breakpoint at the 5' end of this variant is unknown, therefore this duplication may extend upstream of the annotated region of this gene. It is predicted to duplicate a segment including the initiation codon, therefore its impact on the encoded protein is unknown. The variant was absent from large population database (gnomAD Structural Variants database). To our knowledge, no occurrence of duplication of exon 1 in individuals affected with Congenital Adrenal Hyperplasia and no experimental evidence demonstrating its impact on protein function have been reported. No submitters have cited clinical-significance assessments for this variant to ClinVar. Based on the evidence outlined above, the variant was classified as uncertain significance.

NC_000006.11:g.(?_32006191)_(32006402_32006498)dup

Gene: CYP21A2 (cytochrome P450 family 21 subfamily A member 2; plus strand). Cytogenetic location: 6p21.33.
Variant type: Duplication.
Identifiers: ClinVar variation 3366502 (VCV003366502.1).